The following is an entry in ClinVar:

ClinVar aggregate classification (germline): Likely benign. Review status: criteria provided, multiple submitters, no conflicts (2 of 4 stars). 2 submissions from 2 submitters: Likely benign (2). Last evaluated 2026-06-10.

Conditions:
IFT88-related disorder. Also called: IFT88-related condition.

Allele frequency attached by ClinVar (database versions not stated): ExAC 0.00001; gnomAD 0.00002; gnomAD exomes 0.00003; TOPMed 0.00004.
gnomAD v4.1: 51 of 1,613,148 alleles (0.0032%); highest among the groups gnomAD compares: Non-Finnish European, 0.0042%; no homozygotes.

Submissions (2):

PreventionGenetics, part of Exact Sciences
Classification: Likely benign for IFT88-related condition. Last evaluated: 2026-06-10. Review status: criteria provided, single submitter. Criteria: ACMG Guidelines, 2015. Collection method: clinical testing. Allele origin: germline.
Comment: This variant is classified as likely benign based on ACMG/AMP sequence variant interpretation guidelines (Richards et al. 2015 PMID: 25741868, with internal and published modifications).

Labcorp Genetics (formerly Invitae), Labcorp
Classification: Likely benign. Last evaluated: 2025-06-23. Review status: criteria provided, single submitter. Criteria: Invitae Variant Classification Sherloc (09022015). Collection method: clinical testing. Allele origin: germline.

NM_006531.5(IFT88):c.933A>C (p.Leu311=)

Gene: IFT88 (intraflagellar transport 88; plus strand). Cytogenetic location: 13q12.11.
Variant type: single nucleotide variant.
Coding change: c.933A>C on transcript NM_006531.5 (MANE Select); coding-DNA position 933, A replaced by C.
Protein change: p.Leu311=; no amino-acid change (leucine 311 retained).
Molecular consequence: synonymous variant. On other transcripts: non-coding transcript variant (5), intron variant (7).
Genome position (GRCh38, 1-based): chr13:20,601,825, A>C. VCF-style: chr13-20601825-A-C. GRCh37 (hg19) VCF-style: chr13-21175964-A-C.
Other names: c.960A>C (NM_175605.4); c.876A>C, p.Leu292= (NM_001318491.2, NM_001353573.2, NM_001353575.2); c.960A>C, p.Leu320= (NM_001318493.2, NM_001353565.2, NM_001353566.2 and 2 more transcripts); c.933A>C, p.Leu311= (NM_001353568.2, NM_001353572.2); c.300A>C, p.Leu100= (NM_001353579.2); c.884-26A>C (NM_001353570.2, NM_001353576.2, NM_001353577.2 and 1 more transcripts); c.857-26A>C (NM_001353571.2, NM_001353578.2); c.800-26A>C (NM_001353574.2).
Identifiers: ClinVar variation 2889828 (VCV002889828.4), dbSNP rs756858801, ClinGen allele CA6905224.